The following is an entry in ClinVar:

NM_001145358.2(SIN3A):c.3438A>G (p.Glu1146=)

Gene: SIN3A (SIN3 transcription regulator family member A; minus strand). Cytogenetic location: 15q24.2.
Variant type: single nucleotide variant.
Coding change: c.3438A>G on transcript NM_001145358.2 (MANE Select); coding-DNA position 3438, A replaced by G.
Protein change: p.Glu1146=; no amino-acid change (glutamic acid 1146 retained).
Molecular consequence: synonymous variant.
Genome position (GRCh38, 1-based): chr15:75,375,818, T>C on the plus strand (A>G on the coding strand, the complement: SIN3A is on the minus strand). VCF-style: chr15-75375818-T-C. GRCh37 (hg19) VCF-style: chr15-75668159-T-C.
Other names: c.3438A>G, p.Glu1146= (NM_001145357.2, NM_015477.3).
Identifiers: ClinVar variation 1298629 (VCV001298629.44), dbSNP rs372034400, ClinGen allele CA7667228.
Genomic context (GRCh38, chr15:75,375,818, plus strand): 5'-CTCCAGCTTATCCAGACTATCCACATTCTCCATGGTCTTCTTGCTGTTTCCTTCCTTCCC[T>C]TCCTTTTCCTGCTGCTCTCGACCACGTTGACACTTCCGGATCCGCCGTAGATTCCTATTG-3'
Protein context (NP_001138830.1, residues 1136-1156): CQRGREQQEK[Glu1146=]GKEGNSKKTM

ClinVar aggregate classification (germline): Likely benign. Review status: criteria provided, multiple submitters, no conflicts (2 of 4 stars). 4 submissions from 4 submitters: Likely benign (3). 1 of the submissions does not count toward it. Last evaluated 2025-10-01.

Conditions:
SIN3A-related disorder. Also called: SIN3A-related condition.

Allele frequency attached by ClinVar (database versions not stated): ESP Exome Variant Server 0.00015; gnomAD 0.00019 and 0.00020; ExAC 0.00021; TOPMed 0.00025; gnomAD exomes 0.00026 and 0.00045.
gnomAD v4.1: 674 of 1,614,086 alleles (0.042%); highest among the groups gnomAD compares: Non-Finnish European, 0.054%; no homozygotes.

Submissions (4):

Labcorp Genetics (formerly Invitae), Labcorp
Classification: Likely benign. Last evaluated: 2025-10-01. Review status: criteria provided, single submitter. Criteria: Invitae Variant Classification Sherloc (09022015). Collection method: clinical testing. Allele origin: germline.

CeGaT Center for Human Genetics Tuebingen
Classification: Likely benign. Last evaluated: 2021-08-01. Review status: criteria provided, single submitter. Criteria: CeGaT Center For Human Genetics Tuebingen Variant Classification Criteria Version 2. Collection method: clinical testing. Allele origin: germline. Affected: yes. Observed: 1 variant allele.

Genetic Services Laboratory, University of Chicago
Classification: Likely benign. Last evaluated: 2019-09-17. Review status: criteria provided, single submitter. Criteria: ACMG Guidelines, 2015. Collection method: clinical testing. Allele origin: germline. Affected: no.

PreventionGenetics, part of Exact Sciences
Classification: Likely benign for SIN3A-related condition. Last evaluated: 2019-07-11. Review status: no assertion criteria provided. Collection method: clinical testing. Allele origin: germline. Not counted in ClinVar's aggregate classification.
Comment: This variant is classified as likely benign based on ACMG/AMP sequence variant interpretation guidelines (Richards et al. 2015 PMID: 25741868, with internal and published modifications).